The following is an entry in ClinVar:

NC_000021.8:g.(?_44480531)_(44482525_?)del

Gene: CBS (cystathionine beta-synthase; minus strand). Cytogenetic location: 21q22.3.
Variant type: Deletion.
Identifiers: ClinVar variation 3248156 (VCV003248156.1).

ClinVar aggregate classification (germline): Pathogenic (1 of 4 stars; one submission).

Conditions:
HYPERHOMOCYSTEINEMIA, THROMBOTIC, CBS-RELATED. Identifiers: MedGen C3150344, OMIM 236200.

Submission:

Labcorp Genetics (formerly Invitae), Labcorp
Classification: Pathogenic for HYPERHOMOCYSTEINEMIA, THROMBOTIC, CBS-RELATED. Last evaluated: 2023-02-01. Review status: criteria provided, single submitter. Criteria: Invitae Variant Classification Sherloc (09022015). Collection method: clinical testing. Allele origin: unknown.
Comment: For these reasons, this variant has been classified as Pathogenic. This variant has not been reported in the literature in individuals affected with CBS-related conditions. This variant is a gross deletion of the genomic region encompassing exon(s) 11-12 of the CBS gene. This deletion is out-of-frame, and is expected to create a premature termination codon and result in an absent or disrupted protein product. Loss-of-function variants in CBS are known to be pathogenic (PMID: 10338090, 12124992).

Literature cited by the submitters: PubMed 10338090; PubMed 12124992.